The following is an entry in ClinVar:

ClinVar aggregate classification (germline): Uncertain significance (1 of 4 stars; one submission).

Submission:

Women's Health and Genetics/Laboratory Corporation of America, LabCorp
Classification: Uncertain significance. Last evaluated: 2025-03-03. Review status: criteria provided, single submitter. Criteria: LabCorp Variant Classification Summary - May 2015. Collection method: clinical testing. Allele origin: germline.
Comment: Variant summary: B4GALT7 c.723+4A>G alters a conserved nucleotide located close to a canonical splice site and therefore could affect mRNA splicing, leading to a significantly altered protein sequence. Several computational tools predict a significant impact on normal splicing: Four predict the variant weakens a 5' donor site. However, these predictions have yet to be confirmed by published peer-reviewed functional studies. The variant was absent in 248654 control chromosomes. The available data on variant occurrences in the general population are insufficient to allow any conclusion about variant significance. c.723+4A>G has been reported in the literature in siblings affected with Spondylodysplastic Ehlers-Danlos syndrome (Lorenz_2021). These reports do not provide unequivocal conclusions about association of the variant with Spondylodysplastic Ehlers-Danlos syndrome. The following publication has been ascertained in the context of this evaluation (PMID: 34193099). No submitters have cited clinical-significance assessments for this variant to ClinVar. Based on the evidence outlined above, the variant was classified as uncertain significance.

Literature cited by the submitters: PubMed 34193099.

NM_007255.3(B4GALT7):c.723+4A>G

Gene: B4GALT7 (beta-1,4-galactosyltransferase 7; plus strand). Cytogenetic location: 5q35.3.
Variant type: single nucleotide variant.
Coding change: c.723+4A>G on transcript NM_007255.3 (MANE Select); 4 bases into the intron after coding-DNA position 723, A replaced by G.
Molecular consequence: intron variant.
Genome position (GRCh38, 1-based): chr5:177,608,626, A>G. VCF-style: chr5-177608626-A-G. GRCh37 (hg19) VCF-style: chr5-177035627-A-G.
Identifiers: ClinVar variation 3895851 (VCV003895851.1).
Genomic context (GRCh38, chr5:177,608,626, plus strand): 5'-GGCTGGGGCCGCGAGGACGACGAGTTCTACCGGCGCATTAAGGGAGCTGGGCTCCAGGTG[A>G]GATTCCCCGGGCCCCGCCGCCACCTCAGCTGCGGTGGCTGCCCTGAGATTTTCTTCTGTT-3'